The following is an entry in ClinVar:

NM_001148.6(ANK2):c.7231C>T (p.Leu2411Phe)

Genes: ANK2 (ankyrin 2; plus strand), LOC126807137 (CDK7 strongly-dependent group 2 enhancer GRCh37_chr4:114276560-114277759; plus strand). Cytogenetic location: 4q26.
Variant type: single nucleotide variant.
Coding change: c.7231C>T on transcript NM_001148.6 (MANE Select); coding-DNA position 7231, C replaced by T.
Protein change: p.Leu2411Phe; replaces leucine 2411 with phenylalanine.
Molecular consequence: missense variant. On other transcripts: intron variant (68).
Genome position (GRCh38, 1-based): chr4:113,355,849, C>T. VCF-style: chr4-113355849-C-T. GRCh37 (hg19) VCF-style: chr4-114277005-C-T.
Other names: c.4166-4974C>T (NM_001354257.2, NM_001386156.1); c.4241-4974C>T (NM_001354249.2, NM_001354266.2, NM_001354276.2 and 2 more transcripts); c.4208-4974C>T (NM_001386146.1, NM_001386150.1, NM_001386149.1 and 1 more transcripts); c.4193-4974C>T (NM_001354274.2, NM_001386154.1); c.4142-4974C>T (NM_001386151.1, NM_001354260.2, NM_001354271.2); c.4043-4974C>T (NM_001386157.1, NM_001354277.2); c.4361-4974C>T (NM_001386161.1, NM_001354244.2, NM_001354256.2); c.4286-4974C>T (NM_001354261.2); and 35 more; short protein forms L2333F, L2458F, L2450F, L1211F, L2411F.
Identifiers: ClinVar variation 2450642 (VCV002450642.2), dbSNP rs1174128238, ClinGen allele CA357929900.

ClinVar aggregate classification (germline): Uncertain significance (1 of 4 stars; one submission).

Conditions:
Cardiovascular phenotype. Identifiers: MedGen CN230736.

Allele frequency attached by ClinVar (database versions not stated): gnomAD exomes below 0.00001; TOPMed below 0.00001.
gnomAD v4.1: 3 of 1,614,104 alleles (0.00019%); highest among the groups gnomAD compares: Middle Eastern, 0.017%; no homozygotes.

Submission:

Ambry Genetics
Classification: Uncertain significance for Cardiovascular phenotype. Last evaluated: 2023-01-05. Review status: criteria provided, single submitter. Criteria: Ambry Variant Classification Scheme 2023. Collection method: clinical testing. Allele origin: germline.
Comment: The p.L2411F variant (also known as c.7231C>T), located in coding exon 38 of the ANK2 gene, results from a C to T substitution at nucleotide position 7231. The leucine at codon 2411 is replaced by phenylalanine, an amino acid with highly similar properties. This amino acid position is conserved. In addition, the in silico prediction for this alteration is inconclusive. Since supporting evidence is limited at this time, the clinical significance of this alteration remains unclear.